The following is an entry in ClinVar:

NM_001845.6(COL4A1):c.1010C>T (p.Thr337Ile)

Gene: COL4A1 (collagen type IV alpha 1 chain; minus strand). Cytogenetic location: 13q34.
Variant type: single nucleotide variant.
Coding change: c.1010C>T on transcript NM_001845.6 (MANE Select); coding-DNA position 1010, C replaced by T.
Protein change: p.Thr337Ile; replaces threonine 337 with isoleucine.
Molecular consequence: missense variant.
Genome position (GRCh38, 1-based): chr13:110,201,512, G>A on the plus strand (C>T on the coding strand, the complement: COL4A1 is on the minus strand). VCF-style: chr13-110201512-G-A. GRCh37 (hg19) VCF-style: chr13-110853859-G-A.
Other names: c.1010C>T, p.Thr337Ile (NM_001303110.2); short protein forms T337I.
Identifiers: ClinVar variation 2746682 (VCV002746682.3), dbSNP rs2501569081, ClinGen allele CA388724467.

ClinVar aggregate classification (germline): Uncertain significance (1 of 4 stars; one submission).

Submission:

Labcorp Genetics (formerly Invitae), Labcorp
Classification: Uncertain significance. Last evaluated: 2023-11-06. Review status: criteria provided, single submitter. Criteria: Invitae Variant Classification Sherloc (09022015). Collection method: clinical testing. Allele origin: germline.
Comment: This sequence change replaces threonine, which is neutral and polar, with isoleucine, which is neutral and non-polar, at codon 337 of the COL4A1 protein (p.Thr337Ile). This variant is not present in population databases (gnomAD no frequency). This variant has not been reported in the literature in individuals affected with COL4A1-related conditions. Advanced modeling of protein sequence and biophysical properties (such as structural, functional, and spatial information, amino acid conservation, physicochemical variation, residue mobility, and thermodynamic stability) performed at Invitae indicates that this missense variant is not expected to disrupt COL4A1 protein function with a negative predictive value of 95%. In summary, the available evidence is currently insufficient to determine the role of this variant in disease. Therefore, it has been classified as a Variant of Uncertain Significance.